The following is an entry in ClinVar:

NM_144687.4(NLRP12):c.967CTT[1] (p.Leu324del)

Gene: NLRP12 (NLR family pyrin domain containing 12; minus strand). Cytogenetic location: 19q13.42.
Variant type: Microsatellite.
Coding change: c.967CTT[1] on transcript NM_144687.4 (MANE Select); one copy of the 3-base unit CTT starting at c.967; the reference has two copies in a row; one copy, 3 bases deleted.
Protein change: p.Leu324del; deletes leucine 324.
Molecular consequence: inframe deletion.
Genome position (GRCh38, 1-based): chr19:53,810,687-53,810,689, AAG deleted on the plus strand (CTT on the coding strand, the reverse complement: NLRP12 is on the minus strand); deleting any 3 consecutive bases within chr19:53,810,687-53,810,692 gives the same sequence; the position shown is the placement nearest the transcript's 3' end. VCF-style (leftmost placement, unchanged base first): chr19-53810686-TAAG-T. GRCh37 (hg19) VCF-style: chr19-54313940-TAAG-T.
Other names: c.967CTT[1], p.Leu324del (NM_001277126.2, NM_001277129.1); short protein forms L324del.
Identifiers: ClinVar variation 1349786 (VCV001349786.6), dbSNP rs1568681230, ClinGen allele CA508854762.

ClinVar aggregate classification (germline): Uncertain significance (1 of 4 stars; one submission).

Conditions:
Familial cold autoinflammatory syndrome 2 (FCAS2). Identifiers: Orphanet 247868, MedGen C2673198, MONDO:0012724, OMIM 611762.

Submission:

Labcorp Genetics (formerly Invitae), Labcorp
Classification: Uncertain significance for Familial cold autoinflammatory syndrome 2. Last evaluated: 2022-03-18. Review status: criteria provided, single submitter. Criteria: Invitae Variant Classification Sherloc (09022015). Collection method: clinical testing. Allele origin: germline.
Comment: This variant, c.970_972del, results in the deletion of 1 amino acid(s) of the NLRP12 protein (p.Leu324del), but otherwise preserves the integrity of the reading frame. In summary, the available evidence is currently insufficient to determine the role of this variant in disease. Therefore, it has been classified as a Variant of Uncertain Significance. Experimental studies and prediction algorithms are not available or were not evaluated, and the functional significance of this variant is currently unknown. This variant has not been reported in the literature in individuals affected with NLRP12-related conditions. This variant is present in population databases (no rsID available, gnomAD 0.0009%).